The following is an entry in ClinVar:

ClinVar aggregate classification (germline): Likely pathogenic (1 of 4 stars; one submission).

Conditions:
CASR-related disorder. Also called: CASR-related condition.

Submission:

PreventionGenetics, part of Exact Sciences
Classification: Likely pathogenic for CASR-related condition. Last evaluated: 2023-02-22. Review status: criteria provided, single submitter. Criteria: ACMG Guidelines, 2015. Collection method: clinical testing. Allele origin: germline.
Comment: The CASR c.1763-2A>C variant is predicted to disrupt the AG splice acceptor site and interfere with normal splicing. To our knowledge, this variant has not been reported in the literature or in a large population database, indicating this variant is rare. Variants that disrupt the consensus splice acceptor site in CASR are expected to be pathogenic. This variant is interpreted as likely pathogenic.

NM_000388.4(CASR):c.1733-2A>C

Gene: CASR (calcium sensing receptor; plus strand). Cytogenetic location: 3q21.1.
Variant type: single nucleotide variant.
Coding change: c.1733-2A>C on transcript NM_000388.4 (MANE Select); the canonical splice acceptor site of the intron before coding-DNA position 1733, A replaced by C.
Molecular consequence: splice acceptor variant.
Genome position (GRCh38, 1-based): chr3:122,283,685, A>C. VCF-style: chr3-122283685-A-C. GRCh37 (hg19) VCF-style: chr3-122002532-A-C.
Other names: c.1763-2A>C (NM_001178065.2).
Identifiers: ClinVar variation 2630473 (VCV002630473.1), dbSNP rs2473275975, ClinGen allele CA354157048.